The following is an entry in ClinVar:

NM_024306.5(FA2H):c.786+694_786+695del

Gene: FA2H (fatty acid 2-hydroxylase; minus strand). Cytogenetic location: 16q23.1.
Variant type: Microsatellite.
Coding change: c.786+694_786+695del on transcript NM_024306.5 (MANE Select); bases 694 to 695 of the intron after coding-DNA position 786, 2 bases deleted (CT; older notation c.786+694_786+695delCT).
Molecular consequence: intron variant.
Genome position (GRCh38, 1-based): chr16:74,718,293-74,718,294, AG deleted on the plus strand (CT on the coding strand, the reverse complement: FA2H is on the minus strand); deleting any 2 consecutive bases within chr16:74,718,293-74,718,296 gives the same sequence; the c. name uses the placement nearest the transcript's 3' end. VCF-style (leftmost placement, unchanged base first): chr16-74718292-CAG-C. GRCh37 (hg19) VCF-style: chr16-74752190-CAG-C.
Identifiers: ClinVar variation 2646863 (VCV002646863.24), dbSNP rs558386529, ClinGen allele CA283759795.

ClinVar aggregate classification (germline): Likely benign (1 of 4 stars; one submission).

Submission:

CeGaT Center for Human Genetics Tuebingen
Classification: Likely benign. Last evaluated: 2023-02-01. Review status: criteria provided, single submitter. Criteria: CeGaT Center For Human Genetics Tuebingen Variant Classification Criteria Version 2. Collection method: clinical testing. Allele origin: germline. Affected: yes. Observed: 2 variant alleles.
Comment: FA2H: BP4, BS2